The following is an entry in ClinVar:

NM_001085411.3(NADK2):c.-22C>T

Genes: NADK2 (NAD kinase 2, mitochondrial; minus strand), LOC129993801 (ATAC-STARR-seq lymphoblastoid silent region 15972; plus strand). Cytogenetic location: 5p13.2.
Variant type: single nucleotide variant.
Coding change: c.-22C>T on transcript NM_001085411.3 (MANE Select); 22 bases upstream of the start codon, C replaced by T.
Molecular consequence: 5 prime UTR variant. On other transcripts: intron variant (2).
Genome position (GRCh38, 1-based): chr5:36,241,820, G>A on the plus strand (C>T on the coding strand, the complement: NADK2 is on the minus strand). VCF-style: chr5-36241820-G-A. GRCh37 (hg19) VCF-style: chr5-36241922-G-A.
Other names: c.-190+276C>T (NM_153013.5, NM_001287341.2).
Identifiers: ClinVar variation 379997 (VCV000379997.3), dbSNP rs62356073, ClinGen allele CA3234813.

ClinVar aggregate classification (germline): Benign. Review status: criteria provided, multiple submitters, no conflicts (2 of 4 stars). 3 submissions from 3 submitters: Benign (3). Last evaluated 2022-03-10.

Allele frequency attached by ClinVar (database versions not stated): gnomAD 0.41349 and 0.42097; 1000 Genomes Project 0.25839; TOPMed 0.39515; ExAC 0.49859; 1000 Genomes Project 30x 0.26093; gnomAD exomes 0.55669.
gnomAD v4.1: 679,375 of 1,289,756 alleles (53%); highest among the groups gnomAD compares: Non-Finnish European, 58%; 190,132 homozygotes.

Submissions (3):

Mayo Clinic Laboratories, Mayo Clinic
Classification: Benign. Last evaluated: 2022-03-10. Review status: criteria provided, single submitter. Criteria: ACMG Guidelines, 2015. Collection method: clinical testing. Allele origin: germline. Observed: 50 variant alleles.

GeneDx
Classification: Benign. Last evaluated: 2015-12-02. Review status: criteria provided, single submitter. Criteria: GeneDx Variant Classification (06012015). Collection method: clinical testing. Allele origin: germline. Affected: yes.
Comment: This variant is considered likely benign or benign based on one or more of the following criteria: it is a conservative change, it occurs at a poorly conserved position in the protein, it is predicted to be benign by multiple in silico algorithms, and/or has population frequency not consistent with disease.

Breakthrough Genomics
Classification: Benign. Review status: criteria provided, single submitter. Criteria: ACMG Guidelines, 2015. Collection method: not provided. Allele origin: germline. Inheritance: Autosomal recessive inheritance. Affected: yes.